The following is an entry in ClinVar:

ClinVar aggregate classification (germline): Likely benign. Review status: criteria provided, multiple submitters, no conflicts (2 of 4 stars). 2 submissions from 2 submitters: Likely benign (2). Last evaluated 2024-10-10.

Submissions (2):

Blueprint Genetics
Classification: Likely benign. Last evaluated: 2024-10-10. Review status: criteria provided, single submitter. Criteria: ACMG Guidelines, 2015. Collection method: clinical testing. Allele origin: germline.

GeneDx
Classification: Likely benign. Last evaluated: 2017-11-09. Review status: criteria provided, single submitter. Criteria: GeneDx Variant Classification (06012015). Collection method: clinical testing. Allele origin: germline. Affected: yes.
Comment: This variant is considered likely benign or benign based on one or more of the following criteria: it is a conservative change, it occurs at a poorly conserved position in the protein, it is predicted to be benign by multiple in silico algorithms, and/or has population frequency not consistent with disease.

NM_020987.5(ANK3):c.3174-5dup

Gene: ANK3 (ankyrin 3; minus strand). Cytogenetic location: 10q21.2.
Variant type: Duplication.
Coding change: c.3174-5dup on transcript NM_020987.5 (MANE Select); 5 bases into the intron before coding-DNA position 3174, one base duplicated (T; older notation c.3174-5dupT).
Molecular consequence: intron variant.
Genome position (GRCh38, 1-based): chr10:60,106,064, A duplicated on the plus strand (T on the coding strand, the reverse complement: ANK3 is on the minus strand); the first of 8 consecutive A bases (chr10:60,106,064-60,106,071); duplicating any one gives the same sequence. VCF-style (leftmost placement, unchanged base first): chr10-60106063-G-GA. GRCh37 (hg19) VCF-style: chr10-61865821-G-GA.
Other names: c.3156-5dup (NM_001204403.2); c.3177-5dup (NM_001204404.2); c.3174-5dup (NM_001320874.2); c.576-5dup (NM_001149.4); c.3174-5dupT (NM_020987.3).
Identifiers: ClinVar variation 513441 (VCV000513441.2), dbSNP rs556151383, ClinGen allele CA5512533.